The following is an entry in ClinVar:

ClinVar aggregate classification (germline): Pathogenic (1 of 4 stars; one submission).

Submission:

Labcorp Genetics (formerly Invitae), Labcorp
Classification: Pathogenic. Last evaluated: 2020-11-23. Review status: criteria provided, single submitter. Criteria: Invitae Variant Classification Sherloc (09022015). Collection method: clinical testing. Allele origin: germline.
Comment: For these reasons, this variant has been classified as Pathogenic. Algorithms developed to predict the effect of sequence changes on RNA splicing suggest that this variant may disrupt the consensus splice site, but this prediction has not been confirmed by published transcriptional studies. Disruption of this splice site has been observed in individual(s) with clinical features of MSH3-related conditions (Invitae). In at least one individual the data is consistent with the variant being in trans (on the opposite chromosome) from a pathogenic variant. This variant is not present in population databases (ExAC no frequency). This sequence change affects a donor splice site in intron 7 of the MSH3 gene. It is expected to disrupt RNA splicing. Variants that disrupt the donor or acceptor splice site typically lead to a loss of protein function (PMID: 16199547), and loss-of-function variants in MSH3 are known to be pathogenic (PMID: 27476653).

Literature cited by the submitters: PubMed 16199547; PubMed 27476653.

NM_002439.5(MSH3):c.1173+2T>G

Gene: MSH3 (mutS homolog 3; plus strand). Cytogenetic location: 5q14.1.
Variant type: single nucleotide variant.
Coding change: c.1173+2T>G on transcript NM_002439.5 (MANE Select); the canonical splice donor site of the intron after coding-DNA position 1173, T replaced by G.
Molecular consequence: splice donor variant.
Genome position (GRCh38, 1-based): chr5:80,675,130, T>G. VCF-style: chr5-80675130-T-G. GRCh37 (hg19) VCF-style: chr5-79970949-T-G.
Identifiers: ClinVar variation 1371403 (VCV001371403.8), dbSNP rs2112816143, ClinGen allele CA360268440.